The following is an entry in ClinVar:

NM_206937.2(LIG4):c.1920T>G (p.Ile640Met)

Gene: LIG4 (DNA ligase 4; minus strand). Cytogenetic location: 13q33.3.
Variant type: single nucleotide variant.
Coding change: c.1920T>G on transcript NM_206937.2 (MANE Select); coding-DNA position 1920, T replaced by G.
Protein change: p.Ile640Met; replaces isoleucine 640 with methionine.
Molecular consequence: missense variant.
Genome position (GRCh38, 1-based): chr13:108,209,349, A>C on the plus strand (T>G on the coding strand, the complement: LIG4 is on the minus strand). VCF-style: chr13-108209349-A-C. GRCh37 (hg19) VCF-style: chr13-108861697-A-C.
Other names: c.1956T>G, p.Ile652Met (NM_001352604.2); c.1920T>G, p.Ile640Met (NM_001379095.1, NM_002312.3, NM_001098268.2 and 6 more transcripts); c.1719T>G, p.Ile573Met (NM_001330595.2); short protein forms I573M, I640M, I652M.
Identifiers: ClinVar variation 1714701 (VCV001714701.5), dbSNP rs772231522, ClinGen allele CA388615374.

ClinVar aggregate classification (germline): Uncertain significance (1 of 4 stars; one submission).

Conditions:
DNA ligase IV deficiency. Identifiers: Orphanet 99812, MedGen C1847827, MONDO:0011686, OMIM 606593.

Submission:

Labcorp Genetics (formerly Invitae), Labcorp
Classification: Uncertain significance for DNA ligase IV deficiency. Last evaluated: 2024-01-19. Review status: criteria provided, single submitter. Criteria: Invitae Variant Classification Sherloc (09022015). Collection method: clinical testing. Allele origin: germline.
Comment: This sequence change replaces isoleucine, which is neutral and non-polar, with methionine, which is neutral and non-polar, at codon 640 of the LIG4 protein (p.Ile640Met). This variant is not present in population databases (gnomAD no frequency). This variant has not been reported in the literature in individuals affected with LIG4-related conditions. ClinVar contains an entry for this variant (Variation ID: 1714701). Advanced modeling of protein sequence and biophysical properties (such as structural, functional, and spatial information, amino acid conservation, physicochemical variation, residue mobility, and thermodynamic stability) performed at Invitae indicates that this missense variant is not expected to disrupt LIG4 protein function with a negative predictive value of 80%. In summary, the available evidence is currently insufficient to determine the role of this variant in disease. Therefore, it has been classified as a Variant of Uncertain Significance.